The following is an entry in ClinVar:

ClinVar aggregate classification (germline): Pathogenic (1 of 4 stars; one submission).

Submission:

Labcorp Genetics (formerly Invitae), Labcorp
Classification: Pathogenic. Last evaluated: 2023-02-02. Review status: criteria provided, single submitter. Criteria: Invitae Variant Classification Sherloc (09022015). Collection method: clinical testing. Allele origin: germline.
Comment: This sequence change creates a premature translational stop signal (p.Lys1681*) in the PRR12 gene. It is expected to result in an absent or disrupted protein product. Loss-of-function variants in PRR12 are known to be pathogenic (PMID: 29556724, 33314030). This variant is not present in population databases (gnomAD no frequency). This variant has not been reported in the literature in individuals affected with PRR12-related conditions. For these reasons, this variant has been classified as Pathogenic.

Literature cited by the submitters: PubMed 29556724; PubMed 33314030.

NM_020719.3(PRR12):c.5041A>T (p.Lys1681Ter)

Gene: PRR12 (proline rich 12; plus strand). Cytogenetic location: 19q13.33.
Variant type: single nucleotide variant.
Coding change: c.5041A>T on transcript NM_020719.3 (MANE Select); coding-DNA position 5041, A replaced by T.
Protein change: p.Lys1681Ter; replaces lysine 1681 with a stop codon.
Molecular consequence: nonsense.
Genome position (GRCh38, 1-based): chr19:49,615,763, A>T. VCF-style: chr19-49615763-A-T. GRCh37 (hg19) VCF-style: chr19-50119020-A-T.
Other names: short protein forms K1681*.
Identifiers: ClinVar variation 2833997 (VCV002833997.3), dbSNP rs2514293729, ClinGen allele CA406836428.